The following is an entry in ClinVar:

ClinVar aggregate classification (germline): Uncertain significance (1 of 4 stars; one submission).

Allele frequency attached by ClinVar (database versions not stated): ExAC 0.00001; gnomAD 0.00001; gnomAD exomes 0.00001; TOPMed 0.00002.
gnomAD v4.1: 4 of 1,611,152 alleles (0.00025%); highest among the groups gnomAD compares: Admixed American, 0.005%; no homozygotes.

Submission:

Labcorp Genetics (formerly Invitae), Labcorp
Classification: Uncertain significance. Last evaluated: 2022-07-16. Review status: criteria provided, single submitter. Criteria: Invitae Variant Classification Sherloc (09022015). Collection method: clinical testing. Allele origin: germline.
Comment: This sequence change affects codon 330 of the PIGB mRNA. It is a 'silent' change, meaning that it does not change the encoded amino acid sequence of the PIGB protein. This variant is present in population databases (rs756485094, gnomAD 0.009%). This variant has not been reported in the literature in individuals affected with PIGB-related conditions. Algorithms developed to predict the effect of sequence changes on RNA splicing suggest that this variant may disrupt the consensus splice site. In summary, the available evidence is currently insufficient to determine the role of this variant in disease. Therefore, it has been classified as a Variant of Uncertain Significance.

NM_004855.5(PIGB):c.990C>T (p.Gly330=)

Gene: PIGB (phosphatidylinositol glycan anchor biosynthesis class B; plus strand). Cytogenetic location: 15q21.3.
Variant type: single nucleotide variant.
Coding change: c.990C>T on transcript NM_004855.5 (MANE Select); coding-DNA position 990, C replaced by T.
Protein change: p.Gly330=; no amino-acid change (glycine 330 retained).
Molecular consequence: synonymous variant.
Genome position (GRCh38, 1-based): chr15:55,340,755, C>T. VCF-style: chr15-55340755-C-T. GRCh37 (hg19) VCF-style: chr15-55632953-C-T.
Identifiers: ClinVar variation 1970462 (VCV001970462.2), dbSNP rs756485094, ClinGen allele CA7573982.